The following is an entry in ClinVar:

ClinVar aggregate classification (germline): Uncertain significance (1 of 4 stars; one submission).

Allele frequency attached by ClinVar (database versions not stated): gnomAD exomes 0.00002 and 0.00003; ExAC 0.00004.
gnomAD v4.1: 15 of 1,613,238 alleles (0.00093%); highest among the groups gnomAD compares: East Asian, 0.033%; no homozygotes.

Submission:

Labcorp Genetics (formerly Invitae), Labcorp
Classification: Uncertain significance. Last evaluated: 2021-05-12. Review status: criteria provided, single submitter. Criteria: Invitae Variant Classification Sherloc (09022015). Collection method: clinical testing. Allele origin: germline.
Comment: This sequence change replaces leucine with phenylalanine at codon 182 of the PCDH12 protein (p.Leu182Phe). The leucine residue is highly conserved and there is a small physicochemical difference between leucine and phenylalanine. This variant is present in population databases (rs769226373, ExAC 0.06%). This variant has not been reported in the literature in individuals with PCDH12-related conditions. Advanced modeling of protein sequence and biophysical properties (such as structural, functional, and spatial information, amino acid conservation, physicochemical variation, residue mobility, and thermodynamic stability) performed at Invitae indicates that this missense variant is not expected to disrupt PCDH12 protein function. In summary, the available evidence is currently insufficient to determine the role of this variant in disease. Therefore, it has been classified as a Variant of Uncertain Significance.

NM_016580.4(PCDH12):c.546G>C (p.Leu182Phe)

Genes: PCDH12 (protocadherin 12; minus strand), RNF14 (ring finger protein 14; plus strand). Cytogenetic location: 5q31.3.
Variant type: single nucleotide variant.
Coding change: c.546G>C on transcript NM_016580.4 (MANE Select); coding-DNA position 546, G replaced by C.
Protein change: p.Leu182Phe; replaces leucine 182 with phenylalanine.
Molecular consequence: missense variant.
Genome position (GRCh38, 1-based): chr5:141,957,306, C>G on the plus strand (G>C on the coding strand, the complement: PCDH12 is on the minus strand). VCF-style: chr5-141957306-C-G. GRCh37 (hg19) VCF-style: chr5-141336871-C-G.
Other names: short protein forms L182F.
Identifiers: ClinVar variation 1355205 (VCV001355205.8), dbSNP rs769226373, ClinGen allele CA3484535.
Genomic context (GRCh38, chr5:141,957,306, plus strand): 5'-CAGCTCCTTCACCACTATGAGTTCTGCATGTTTGGTCTCATCAGGGCCCACAATGACATC[C>G]AAGGCAAAGTGCTCACTGGGAGACAGAGTGTAGGTGTGCAGGGTGTTAGGGCCTGTGTCT-3'
Protein context (NP_057664.1, residues 172-192): YTLSPSEHFA[Leu182Phe]DVIVGPDETK